The following is an entry in ClinVar:

NM_000554.6(CRX):c.*1063C>T

Gene: CRX (cone-rod homeobox; plus strand). Cytogenetic location: 19q13.33.
Variant type: single nucleotide variant.
Coding change: c.*1063C>T on transcript NM_000554.6 (MANE Select); 1063 bases downstream of the stop codon, C replaced by T.
Molecular consequence: 3 prime UTR variant.
Genome position (GRCh38, 1-based): chr19:47,841,030, C>T. VCF-style: chr19-47841030-C-T. GRCh37 (hg19) VCF-style: chr19-48344287-C-T.
Identifiers: ClinVar variation 329734 (VCV000329734.5), dbSNP rs143939023, ClinGen allele CA10643069.
Genomic context (GRCh38, chr19:47,841,030, plus strand): 5'-TCCCAAAGTGCTGGGATTACAGGCATGAGCCATTGTGCCTGGCCCTACACGTGGACACTT[C>T]TTTAGCATATGGTTAGGGACCTTTCTAGAAATTCCAAAGACAGACTTTAAGAAGCCCCGT-3'

ClinVar aggregate classification (germline): Benign/Likely benign. Review status: criteria provided, single submitter (1 of 4 stars). 3 submissions from 1 submitter: Benign (1); Likely benign (2). Last evaluated 2018-01-12.

Conditions:
Retinitis pigmentosa (RP). Identifiers: Orphanet 791, MedGen C0035334, MeSH D012174, MONDO:0019200, OMIM 268000. Inheritance: Autosomal dominant, autosomal recessive and X linked inheritance.
Leber congenital amaurosis 7 (LCA7). Identifiers: Orphanet 65, MedGen C3151192, MONDO:0013449, OMIM 613829.
Cone-rod dystrophy 2 (CORD2). Also called: CONE-ROD RETINAL DYSTROPHY; Cone-rod retinal dystrophy 2. Identifiers: Orphanet 1872, MedGen C3489532, MONDO:0007362, OMIM 120970.

Allele frequency attached by ClinVar (database versions not stated): gnomAD 0.00231 and 0.00216; TOPMed 0.00240; 1000 Genomes Project 0.00359; 1000 Genomes Project 30x 0.00359.

Submissions (3):

Illumina Laboratory Services, Illumina
Classification: Likely benign for Retinitis pigmentosa. Last evaluated: 2018-01-12. Review status: criteria provided, single submitter. Criteria: ICSL Variant Classification Criteria 13 December 2019. Collection method: clinical testing. Allele origin: germline.
Comment: This variant was observed in the ICSL laboratory as part of a predisposition screen in an ostensibly healthy population. It had not been previously curated by ICSL or reported in the Human Gene Mutation Database (HGMD: prior to June 1st, 2018), and was therefore a candidate for classification through an automated scoring system. Utilizing variant allele frequency, disease prevalence and penetrance estimates, and inheritance mode, an automated score was calculated to assess if this variant is too frequent to cause the disease. Based on the score and internal cut-off values, a variant classified as likely benign is not then subjected to further curation. The score for this variant resulted in a classification of likely benign for this disease.

Illumina Laboratory Services, Illumina
Classification: Likely benign for Leber congenital amaurosis 7. Last evaluated: 2018-01-12. Review status: criteria provided, single submitter. Criteria: ICSL Variant Classification Criteria 13 December 2019. Collection method: clinical testing. Allele origin: germline.
Comment: the same text as in the submission from Illumina Laboratory Services, Illumina above.

Illumina Laboratory Services, Illumina
Classification: Benign for Cone-rod dystrophy 2. Last evaluated: 2018-01-12. Review status: criteria provided, single submitter. Criteria: ICSL Variant Classification Criteria 13 December 2019. Collection method: clinical testing. Allele origin: germline.
Comment: This variant was observed in the ICSL laboratory as part of a predisposition screen in an ostensibly healthy population. It had not been previously curated by ICSL or reported in the Human Gene Mutation Database (HGMD: prior to June 1st, 2018), and was therefore a candidate for classification through an automated scoring system. Utilizing variant allele frequency, disease prevalence and penetrance estimates, and inheritance mode, an automated score was calculated to assess if this variant is too frequent to cause the disease. Based on the score and internal cut-off values, a variant classified as benign is not then subjected to further curation. The score for this variant resulted in a classification of benign for this disease.